The following is an entry in ClinVar:

ClinVar aggregate classification (germline): Conflicting classifications of pathogenicity. Review status: criteria provided, conflicting classifications (1 of 4 stars). 2 submissions from 2 submitters: Uncertain significance (1); Likely benign (1). Last evaluated 2025-09-10.

Allele frequency attached by ClinVar (database versions not stated): gnomAD exomes 0.00028; ExAC 0.00094; 1000 Genomes Project 0.00220; 1000 Genomes Project 30x 0.00250; gnomAD 0.00281; TOPMed 0.00315; ESP Exome Variant Server 0.00400.

Submissions (2):

Ambry Genetics
Classification: Uncertain significance. Last evaluated: 2025-09-10. Review status: criteria provided, single submitter. Criteria: Ambry Variant Classification Scheme 2023. Collection method: clinical testing. Allele origin: germline.

CeGaT Center for Human Genetics Tuebingen
Classification: Likely benign. Last evaluated: 2023-05-01. Review status: criteria provided, single submitter. Criteria: CeGaT Center For Human Genetics Tuebingen Variant Classification Criteria Version 2. Collection method: clinical testing. Allele origin: germline. Affected: yes. Observed: 1 variant allele.
Comment: C1QTNF3: BP4, BS2

NM_181435.6(C1QTNF3):c.256C>T (p.His86Tyr)

Genes: C1QTNF3 (C1q and TNF related 3; minus strand), C1QTNF3-AMACR (C1QTNF3-AMACR readthrough (NMD candidate); minus strand). Cytogenetic location: 5p13.2.
Variant type: single nucleotide variant.
Coding change: c.256C>T on transcript NM_181435.6 (MANE Select); coding-DNA position 256, C replaced by T.
Protein change: p.His86Tyr; replaces histidine 86 with tyrosine.
Molecular consequence: missense variant. On other transcripts: intron variant (1).
Genome position (GRCh38, 1-based): chr5:34,042,870, G>A on the plus strand (C>T on the coding strand, the complement: C1QTNF3 is on the minus strand). VCF-style: chr5-34042870-G-A. GRCh37 (hg19) VCF-style: chr5-34042975-G-A.
Other names: c.256C>T (NM_181435.5); c.84+172C>T (NM_030945.4); short protein forms H86Y.
Identifiers: ClinVar variation 2655392 (VCV002655392.25), dbSNP rs113668504, ClinGen allele CA3226535.